The following is an entry in ClinVar:

NM_000051.4(ATM):c.7302A>G (p.Thr2434=)

Genes: ATM (ATM serine/threonine kinase; plus strand), C11orf65 (chromosome 11 open reading frame 65; minus strand). Cytogenetic location: 11q22.3.
Variant type: single nucleotide variant.
Coding change: c.7302A>G on transcript NM_000051.4 (MANE Select); coding-DNA position 7302, A replaced by G.
Protein change: p.Thr2434=; no amino-acid change (threonine 2434 retained).
Molecular consequence: synonymous variant. On other transcripts: intron variant (2).
Genome position (GRCh38, 1-based): chr11:108,329,233, A>G. VCF-style: chr11-108329233-A-G. GRCh37 (hg19) VCF-style: chr11-108199960-A-G.
Other names: c.7302A>G, p.Thr2434= (NM_001351834.2); c.641-20162T>C (NM_001330368.2); c.*38+5987T>C (NM_001351110.2).
Identifiers: ClinVar variation 826955 (VCV000826955.12), dbSNP rs752125292, ClinGen allele CA476676782.

ClinVar aggregate classification (germline): Benign/Likely benign. Review status: criteria provided, multiple submitters, no conflicts (2 of 4 stars). 3 submissions from 3 submitters: Benign (1); Likely benign (2). Last evaluated 2024-06-13.

Conditions:
Hereditary cancer-predisposing syndrome. Also called: Tumor predisposition; Neoplastic Syndromes, Hereditary; Hereditary Cancer Syndrome; Hereditary neoplastic syndrome. Identifiers: Orphanet 140162, MedGen C0027672, MeSH D009386, MONDO:0015356.
Familial cancer of breast. Also called: Hereditary breast cancer; BREAST CANCER, FAMILIAL; hereditary breast carcinoma. Identifiers: Orphanet 227535, MedGen C0346153, MONDO:0016419, OMIM 114480. Disease mechanism: loss of function.
Ataxia-telangiectasia syndrome (AT). Also called: ATAXIA-TELANGIECTASIA, COMPLEMENTATION GROUP A; ATAXIA-TELANGIECTASIA, FRESNO VARIANT; Ataxia-telangiectasia; Ataxia-telangiectasia, complementation group D; AT, COMPLEMENTATION GROUP C; Ataxia-telangiectasia, complementation group E. Identifiers: Orphanet 100, MedGen C0004135, MONDO:0008840, OMIM 208900.

gnomAD v4.1: 1 of 1,611,898 alleles (0.000062%); no homozygotes.

Submissions (3):

Myriad Genetics, Inc.
Classification: Benign for Familial cancer of breast. Last evaluated: 2024-06-13. Review status: criteria provided, single submitter. Criteria: Myriad Autosomal Dominant, Autosomal Recessive and X-Linked Classification Criteria (2023). Collection method: clinical testing. Allele origin: unknown.
Comment: This variant is considered benign. This variant is a silent/synonymous amino acid change and it is not expected to impact splicing.

Labcorp Genetics (formerly Invitae), Labcorp
Classification: Likely benign for Ataxia-telangiectasia syndrome. Last evaluated: 2022-02-23. Review status: criteria provided, single submitter. Criteria: Invitae Variant Classification Sherloc (09022015). Collection method: clinical testing. Allele origin: germline.

Ambry Genetics
Classification: Likely benign for Hereditary cancer-predisposing syndrome. Last evaluated: 2019-05-16. Review status: criteria provided, single submitter. Criteria: Ambry Variant Classification Scheme 2023. Collection method: clinical testing. Allele origin: germline.